The following is an entry in ClinVar:

ClinVar aggregate classification (germline): Uncertain significance (1 of 4 stars; one submission).

Conditions:
Charcot-Marie-Tooth disease axonal type 2O. Also called: CHARCOT-MARIE-TOOTH NEUROPATHY, AXONAL, TYPE 2O; CHARCOT-MARIE-TOOTH DISEASE, AXONAL, AUTOSOMAL DOMINANT, TYPE 2O; Charcot-Marie-Tooth Neuropathy Type 2O; Charcot-Marie-Tooth disease, axonal, type 20. Identifiers: Orphanet 284232, MedGen C3280220, MONDO:0013644, OMIM 614228.

Allele frequency attached by ClinVar (database versions not stated): TOPMed below 0.00001; gnomAD 0.00001.
gnomAD v4.1: 1 of 1,613,972 alleles (0.000062%); highest among the groups gnomAD compares: African/African-American, 0.0013%; no homozygotes.

Submission:

Labcorp Genetics (formerly Invitae), Labcorp
Classification: Uncertain significance for Charcot-Marie-Tooth disease axonal type 2O. Last evaluated: 2023-08-17. Review status: criteria provided, single submitter. Criteria: Invitae Variant Classification Sherloc (09022015). Collection method: clinical testing. Allele origin: germline.
Comment: This sequence change replaces isoleucine, which is neutral and non-polar, with valine, which is neutral and non-polar, at codon 2793 of the DYNC1H1 protein (p.Ile2793Val). This variant is not present in population databases (gnomAD no frequency). This variant has not been reported in the literature in individuals affected with DYNC1H1-related conditions. ClinVar contains an entry for this variant (Variation ID: 2173512). Advanced modeling of protein sequence and biophysical properties (such as structural, functional, and spatial information, amino acid conservation, physicochemical variation, residue mobility, and thermodynamic stability) performed at Invitae indicates that this missense variant is not expected to disrupt DYNC1H1 protein function. In summary, the available evidence is currently insufficient to determine the role of this variant in disease. Therefore, it has been classified as a Variant of Uncertain Significance.

NM_001376.5(DYNC1H1):c.8377A>G (p.Ile2793Val)

Gene: DYNC1H1 (dynein cytoplasmic 1 heavy chain 1; plus strand). Cytogenetic location: 14q32.31.
Variant type: single nucleotide variant.
Coding change: c.8377A>G on transcript NM_001376.5 (MANE Select); coding-DNA position 8377, A replaced by G.
Protein change: p.Ile2793Val; replaces isoleucine 2793 with valine.
Molecular consequence: missense variant.
Genome position (GRCh38, 1-based): chr14:102,019,926, A>G. VCF-style: chr14-102019926-A-G. GRCh37 (hg19) VCF-style: chr14-102486263-A-G.
Other names: short protein forms I2793V.
Identifiers: ClinVar variation 2173512 (VCV002173512.4), dbSNP rs1353711965, ClinGen allele CA391006466.